The following is an entry in ClinVar:

NM_001739.2(CA5A):c.514G>A (p.Val172Met)

Gene: CA5A (carbonic anhydrase 5A; minus strand). Cytogenetic location: 16q24.2.
Variant type: single nucleotide variant.
Coding change: c.514G>A on transcript NM_001739.2 (MANE Select); coding-DNA position 514, G replaced by A.
Protein change: p.Val172Met; replaces valine 172 with methionine.
Molecular consequence: missense variant. On other transcripts: non-coding transcript variant (2).
Genome position (GRCh38, 1-based): chr16:87,902,466, C>T on the plus strand (G>A on the coding strand, the complement: CA5A is on the minus strand). VCF-style: chr16-87902466-C-T. GRCh37 (hg19) VCF-style: chr16-87936072-C-T.
Other names: c.514G>A, p.Val172Met (NM_001367225.1); short protein forms V172M.
Identifiers: ClinVar variation 2420400 (VCV002420400.5), dbSNP rs142182110, ClinGen allele CA8223445.

ClinVar aggregate classification (germline): Uncertain significance (1 of 4 stars; one submission).

Conditions:
Hyperammonemic encephalopathy due to carbonic anhydrase VA deficiency. Also called: Carbonic Anhydrase VA Deficiency; Carbonic anhydrase VA deficiency, hyperammonemia due to. Identifiers: Orphanet 401948, MedGen C4706871, MONDO:0014332, OMIM 615751.

Allele frequency attached by ClinVar (database versions not stated): ESP Exome Variant Server 0.00008.
gnomAD v4.1: 19 of 1,612,470 alleles (0.0012%); highest among the groups gnomAD compares: African/African-American, 0.004%; no homozygotes.

Submission:

Labcorp Genetics (formerly Invitae), Labcorp
Classification: Uncertain significance for Hyperammonemic encephalopathy due to carbonic anhydrase VA deficiency. Last evaluated: 2022-04-01. Review status: criteria provided, single submitter. Criteria: Invitae Variant Classification Sherloc (09022015). Collection method: clinical testing. Allele origin: germline.
Comment: In summary, the available evidence is currently insufficient to determine the role of this variant in disease. Therefore, it has been classified as a Variant of Uncertain Significance. Algorithms developed to predict the effect of missense changes on protein structure and function output the following: SIFT: "Tolerated"; PolyPhen-2: "Benign"; Align-GVGD: "Class C0". The methionine amino acid residue is found in multiple mammalian species, which suggests that this missense change does not adversely affect protein function. This variant has not been reported in the literature in individuals affected with CA5A-related conditions. This variant is present in population databases (rs142182110, gnomAD 0.007%). This sequence change replaces valine, which is neutral and non-polar, with methionine, which is neutral and non-polar, at codon 172 of the CA5A protein (p.Val172Met).